The following is an entry in ClinVar:

NC_000001.10:g.(?_94458793)_(95538454_?)del

Genes: CNN3 (calponin 3; minus strand), ABCA4 (ATP binding cassette subfamily A member 4; minus strand), ABCD3 (ATP binding cassette subfamily D member 3; plus strand), ALG14 (ALG14 UDP-N-acetylglucosaminyltransferase subunit; minus strand), ARHGAP29 (Rho GTPase activating protein 29; minus strand) and 2 more. Cytogenetic location: 1p22.1-21.3.
Variant type: Deletion.
Identifiers: ClinVar variation 1073069 (VCV001073069.5).

ClinVar aggregate classification (germline): Pathogenic (1 of 4 stars; one submission).

Submission:

Labcorp Genetics (formerly Invitae), Labcorp
Classification: Pathogenic. Last evaluated: 2020-09-02. Review status: criteria provided, single submitter. Criteria: Invitae Variant Classification Sherloc (09022015). Collection method: clinical testing. Allele origin: germline.
Comment: A gross deletion of the genomic region encompassing the full coding sequence of the ABCA4 gene has been identified. The boundaries of this event are unknown as the deletion extends beyond the assayed region for this gene and therefore may encompass additional genes. For these reasons, this variant has been classified as Pathogenic. Loss-of-function variants in ABCA4 are known to be pathogenic (PMID: 10958761, 24938718, 25312043, 26780318). This variant has not been reported in the literature in individuals with ABCA4-related conditions.

Literature cited by the submitters: PubMed 10958761; PubMed 24938718; PubMed 25312043; PubMed 26780318.